The following is an entry in ClinVar:

ClinVar aggregate classification (germline): Likely benign (1 of 4 stars; one submission).

Conditions:
SERPINF2-related disorder. Also called: SERPINF2-related condition.

gnomAD v4.1: 28 of 1,604,802 alleles (0.0017%); highest among the groups gnomAD compares: Admixed American, 0.035%; no homozygotes.

Submission:

PreventionGenetics, part of Exact Sciences
Classification: Likely benign for SERPINF2-related condition. Last evaluated: 2025-06-17. Review status: criteria provided, single submitter. Criteria: ACMG Guidelines, 2015. Collection method: clinical testing. Allele origin: germline.
Comment: This variant is classified as likely benign based on ACMG/AMP sequence variant interpretation guidelines (Richards et al. 2015 PMID: 25741868, with internal and published modifications).

NM_000934.4(SERPINF2):c.1066C>T (p.Leu356=)

Gene: SERPINF2 (serpin family F member 2; plus strand). Cytogenetic location: 17p13.3.
Variant type: single nucleotide variant.
Coding change: c.1066C>T on transcript NM_000934.4 (MANE Select); coding-DNA position 1066, C replaced by T.
Protein change: p.Leu356=; no amino-acid change (leucine 356 retained).
Molecular consequence: synonymous variant.
Genome position (GRCh38, 1-based): chr17:1,754,124, C>T. VCF-style: chr17-1754124-C-T. GRCh37 (hg19) VCF-style: chr17-1657418-C-T.
Other names: c.1066C>T, p.Leu356= (NM_001165920.1); c.874C>T, p.Leu292= (NM_001165921.2).
Identifiers: ClinVar variation 4979347 (VCV004979347.1).